The following is an entry in ClinVar:

ClinVar aggregate classification (germline): Uncertain significance (1 of 4 stars; one submission).

Conditions:
Kabuki syndrome. Also called: NIIKAWA-KUROKI SYNDROME; Kabuki make-up syndrome. Identifiers: Orphanet 2322, MedGen C0796004, MONDO:0016512.

Submissions (2):

Labcorp Genetics (formerly Invitae), Labcorp
Classification: Uncertain significance for Kabuki syndrome. Last evaluated: 2023-02-06. Review status: criteria provided, single submitter. Criteria: Invitae Variant Classification Sherloc (09022015). Collection method: clinical testing. Allele origin: germline.
Comment: In summary, the available evidence is currently insufficient to determine the role of this variant in disease. Therefore, it has been classified as a Variant of Uncertain Significance. Variants that disrupt the consensus splice site are a relatively common cause of aberrant splicing (PMID: 17576681, 9536098). Algorithms developed to predict the effect of sequence changes on RNA splicing suggest that this variant may disrupt the consensus splice site. This variant has been observed in individual(s) with cleft lip/palate (PMID: 31654559). This variant is not present in population databases (gnomAD no frequency). This sequence change falls in intron 50 of the KMT2D gene. It does not directly change the encoded amino acid sequence of the KMT2D protein. It affects a nucleotide within the consensus splice site.

Dr. Peter K. Rogan Lab, Western University
No classification provided (evidence only). Condition: Squamous cell carcinoma of the head and neck. Review status: no classification provided. Collection method: in vitro. Allele origin: not applicable. Functional consequence: skipped exon, retained intron. Not counted in ClinVar's aggregate classification.

Literature cited by the submitters: PubMed 17576681 (cited by Labcorp Genetics (formerly Invitae), Labcorp); PubMed 9536098 (cited by Labcorp Genetics (formerly Invitae), Labcorp); PubMed 31654559 (cited by Labcorp Genetics (formerly Invitae), Labcorp).

NM_003482.4(KMT2D):c.16052+5G>A

Gene: KMT2D (lysine methyltransferase 2D; minus strand). Cytogenetic location: 12q13.12.
Variant type: single nucleotide variant.
Coding change: c.16052+5G>A on transcript NM_003482.4 (MANE Select); 5 bases into the intron after coding-DNA position 16052, G replaced by A.
Molecular consequence: intron variant.
Genome position (GRCh38, 1-based): chr12:49,024,573, C>T on the plus strand (G>A on the coding strand, the complement: KMT2D is on the minus strand). VCF-style: chr12-49024573-C-T. GRCh37 (hg19) VCF-style: chr12-49418356-C-T.
Identifiers: ClinVar variation 2972695 (VCV002972695.4), dbSNP rs2137710507, ClinGen allele CA2695216348.